The following is an entry in ClinVar:

NM_022836.4(DCLRE1B):c.1519A>T (p.Thr507Ser)

Gene: DCLRE1B (DNA cross-link repair 1B; plus strand). Cytogenetic location: 1p13.2.
Variant type: single nucleotide variant.
Coding change: c.1519A>T on transcript NM_022836.4 (MANE Select); coding-DNA position 1519, A replaced by T.
Protein change: p.Thr507Ser; replaces threonine 507 with serine.
Molecular consequence: missense variant. On other transcripts: intron variant (2).
Genome position (GRCh38, 1-based): chr1:113,912,111, A>T. VCF-style: chr1-113912111-A-T. GRCh37 (hg19) VCF-style: chr1-114454733-A-T.
Other names: c.1141A>T, p.Thr381Ser (NM_001319946.2, NM_001319947.2); c.1247-21A>T (NM_001363690.2); c.869-21A>T (NM_001363691.2); short protein forms T381S, T507S.
Identifiers: ClinVar variation 1055500 (VCV001055500.9), dbSNP rs757797519, ClinGen allele CA1016605.

ClinVar aggregate classification (germline): Uncertain significance (1 of 4 stars; one submission).

Conditions:
Hoyeraal-Hreidarsson syndrome (HHS). Also called: CEREBELLAR HYPOPLASIA WITH PANCYTOPENIA. Identifiers: Orphanet 3322, MedGen C1846142, MONDO:0018045.
Autosomal recessive dyskeratosis congenita. Identifiers: MedGen C3502105.

Allele frequency attached by ClinVar (database versions not stated): TOPMed 0.00001; ExAC 0.00002; gnomAD exomes 0.00003.
gnomAD v4.1: 12 of 1,614,048 alleles (0.00074%); highest among the groups gnomAD compares: Middle Eastern, 0.13%; no homozygotes.

Submission:

Labcorp Genetics (formerly Invitae), Labcorp
Classification: Uncertain significance for Hoyeraal-Hreidarsson syndrome; Autosomal recessive dyskeratosis congenita. Last evaluated: 2022-10-17. Review status: criteria provided, single submitter. Criteria: Invitae Variant Classification Sherloc (09022015). Collection method: clinical testing. Allele origin: germline.
Comment: This sequence change replaces threonine, which is neutral and polar, with serine, which is neutral and polar, at codon 507 of the DCLRE1B protein (p.Thr507Ser). This variant is present in population databases (rs757797519, gnomAD 0.004%). This variant has not been reported in the literature in individuals affected with DCLRE1B-related conditions. ClinVar contains an entry for this variant (Variation ID: 1055500). Algorithms developed to predict the effect of missense changes on protein structure and function are either unavailable or do not agree on the potential impact of this missense change (SIFT: "Deleterious"; PolyPhen-2: "Possibly Damaging"; Align-GVGD: "Class C0"). In summary, the available evidence is currently insufficient to determine the role of this variant in disease. Therefore, it has been classified as a Variant of Uncertain Significance.